The following is an entry in ClinVar:

ClinVar aggregate classification (germline): Uncertain significance (1 of 4 stars; one submission).

Allele frequency attached by ClinVar (database versions not stated): 1000 Genomes Project 30x 0.00016.
gnomAD v4.1: 1 of 1,613,714 alleles (0.000062%); highest among the groups gnomAD compares: Non-Finnish European, 0.000085%; no homozygotes.

Submission:

Labcorp Genetics (formerly Invitae), Labcorp
Classification: Uncertain significance. Last evaluated: 2022-08-24. Review status: criteria provided, single submitter. Criteria: Invitae Variant Classification Sherloc (09022015). Collection method: clinical testing. Allele origin: germline.
Comment: This sequence change creates a premature translational stop signal (p.Cys693*) in the ADGRE2 gene. It is expected to result in an absent or disrupted protein product. However, the current clinical and genetic evidence is not sufficient to establish whether loss-of-function variants in ADGRE2 cause disease. This variant is present in population databases (rs61732001, gnomAD 0.0009%). This variant has not been reported in the literature in individuals affected with ADGRE2-related conditions. In summary, the available evidence is currently insufficient to determine the role of this variant in disease. Therefore, it has been classified as a Variant of Uncertain Significance.

NM_013447.4(ADGRE2):c.2079C>A (p.Cys693Ter)

Gene: ADGRE2 (adhesion G protein-coupled receptor E2; minus strand). Cytogenetic location: 19p13.12.
Variant type: single nucleotide variant.
Coding change: c.2079C>A on transcript NM_013447.4 (MANE Select); coding-DNA position 2079, C replaced by A.
Protein change: p.Cys693Ter; replaces cysteine 693 with a stop codon.
Molecular consequence: nonsense.
Genome position (GRCh38, 1-based): chr19:14,746,908, G>T on the plus strand (C>A on the coding strand, the complement: ADGRE2 is on the minus strand). VCF-style: chr19-14746908-G-T. GRCh37 (hg19) VCF-style: chr19-14857720-G-T.
Other names: c.1905C>A, p.Cys635Ter (NM_001271052.1); c.1932C>A, p.Cys644Ter (NM_152916.2); c.1800C>A, p.Cys600Ter (NM_152917.2); short protein forms C693*, C644*, C635*, C600*.
Identifiers: ClinVar variation 1906303 (VCV001906303.5), dbSNP rs61732001, ClinGen allele CA9257502.